The following is an entry in ClinVar:

NM_006019.4(TCIRG1):c.1088G>A (p.Arg363His)

Gene: TCIRG1 (T cell immune regulator 1, ATPase H+ transporting V0 subunit a3; plus strand). Cytogenetic location: 11q13.2.
Variant type: single nucleotide variant.
Coding change: c.1088G>A on transcript NM_006019.4 (MANE Select); coding-DNA position 1088, G replaced by A.
Protein change: p.Arg363His; replaces arginine 363 with histidine.
Molecular consequence: missense variant.
Genome position (GRCh38, 1-based): chr11:68,045,025, G>A. VCF-style: chr11-68045025-G-A. GRCh37 (hg19) VCF-style: chr11-67812492-G-A.
Other names: c.194G>A, p.Arg65His (NM_001351059.2); c.440G>A, p.Arg147His (NM_006053.4); short protein forms R147H, R363H, R65H.
Identifiers: ClinVar variation 991168 (VCV000991168.6), dbSNP rs755474518, ClinGen allele CA6146942.

ClinVar aggregate classification (germline): Uncertain significance. Review status: criteria provided, multiple submitters, no conflicts (2 of 4 stars). 3 submissions from 3 submitters: Uncertain significance (2). 1 of the submissions does not count toward it. Last evaluated 2024-07-19.

Conditions:
Autosomal recessive osteopetrosis 1. Also called: ALBERS-SCHONBERG DISEASE, AUTOSOMAL RECESSIVE; TCIRG1-Related Osteopetrosis; TCIRG1-Related Autosomal Recessive Osteopetrosis. Identifiers: Orphanet 667, MedGen C1850127, MONDO:0009815, OMIM 259700.

Allele frequency attached by ClinVar (database versions not stated): gnomAD 0.00001 and 0.00002; ExAC 0.00002; gnomAD exomes 0.00002; TOPMed 0.00002.

Submissions (3):

Labcorp Genetics (formerly Invitae), Labcorp
Classification: Uncertain significance. Last evaluated: 2024-07-19. Review status: criteria provided, single submitter. Criteria: Invitae Variant Classification Sherloc (09022015). Collection method: clinical testing. Allele origin: germline.
Comment: This sequence change replaces arginine, which is basic and polar, with histidine, which is basic and polar, at codon 363 of the TCIRG1 protein (p.Arg363His). The frequency data for this variant in the population databases is considered unreliable, as metrics indicate poor data quality at this position in the gnomAD database. This variant has not been reported in the literature in individuals affected with TCIRG1-related conditions. ClinVar contains an entry for this variant (Variation ID: 991168). Advanced modeling of protein sequence and biophysical properties (such as structural, functional, and spatial information, amino acid conservation, physicochemical variation, residue mobility, and thermodynamic stability) performed at Invitae indicates that this missense variant is not expected to disrupt TCIRG1 protein function with a negative predictive value of 80%. In summary, the available evidence is currently insufficient to determine the role of this variant in disease. Therefore, it has been classified as a Variant of Uncertain Significance.

Fulgent Genetics
Classification: Uncertain significance for Autosomal recessive osteopetrosis 1. Last evaluated: 2021-07-24. Review status: criteria provided, single submitter. Criteria: ACMG Guidelines, 2015. Collection method: clinical testing. Allele origin: unknown.

Natera, Inc.
Classification: Uncertain significance for Infantile malignant osteopetrosis. Last evaluated: 2020-08-14. Review status: no assertion criteria provided. Collection method: clinical testing. Allele origin: germline. Not counted in ClinVar's aggregate classification.